The following is an entry in ClinVar:

NM_002972.4(SBF1):c.1450G>T (p.Val484Leu)

Gene: SBF1 (SET binding factor 1; minus strand). Cytogenetic location: 22q13.33.
Variant type: single nucleotide variant.
Coding change: c.1450G>T on transcript NM_002972.4 (MANE Select); coding-DNA position 1450, G replaced by T.
Protein change: p.Val484Leu; replaces valine 484 with leucine.
Molecular consequence: missense variant.
Genome position (GRCh38, 1-based): chr22:50,464,720, C>A on the plus strand (G>T on the coding strand, the complement: SBF1 is on the minus strand). VCF-style: chr22-50464720-C-A. GRCh37 (hg19) VCF-style: chr22-50903149-C-A.
Other names: c.1453G>T, p.Val485Leu (NM_001365819.1, NM_001410794.1); c.1450G>T, p.Val484Leu (NM_001410795.1, NM_197971.1); short protein forms V485L, V484L.
Identifiers: ClinVar variation 2703990 (VCV002703990.3), dbSNP rs761073325, ClinGen allele CA412217809.

ClinVar aggregate classification (germline): Uncertain significance (1 of 4 stars; one submission).

Submission:

Labcorp Genetics (formerly Invitae), Labcorp
Classification: Uncertain significance. Last evaluated: 2024-10-25. Review status: criteria provided, single submitter. Criteria: Invitae Variant Classification Sherloc (09022015). Collection method: clinical testing. Allele origin: germline.
Comment: This sequence change replaces valine, which is neutral and non-polar, with leucine, which is neutral and non-polar, at codon 484 of the SBF1 protein (p.Val484Leu). This variant is not present in population databases (gnomAD no frequency). This variant has not been reported in the literature in individuals affected with SBF1-related conditions. Invitae Evidence Modeling of protein sequence and biophysical properties (such as structural, functional, and spatial information, amino acid conservation, physicochemical variation, residue mobility, and thermodynamic stability) indicates that this missense variant is not expected to disrupt SBF1 protein function with a negative predictive value of 80%. In summary, the available evidence is currently insufficient to determine the role of this variant in disease. Therefore, it has been classified as a Variant of Uncertain Significance.